The following continues an entry in ClinVar:

NM_000157.4(GBA1):c.84dup (p.Leu29fs)

Gene: GBA1. ClinVar aggregate classification (germline): Pathogenic. Pathogenic (15).

Submissions 12 to 17 of 17:

Myriad Genetics, Inc.
Classification: Pathogenic for Gaucher disease type I. Last evaluated: 2019-12-26. Review status: criteria provided, single submitter. Criteria: Myriad Women's Health Autosomal Recessive and X-Linked Classification Criteria (2019). Collection method: clinical testing. Allele origin: unknown.
Comment: NM_001005741.2(GBA):c.84dupG(L29Afs*18, aka p.L29Afs*18) is classified as pathogenic in the context of Gaucher disease and may be associated with Type 1, 2 or 3. Sources cited for classification include the following: PMID 21742527, 8487270, 1961718, 1348297 and 8432537. Classification of NM_001005741.2(GBA):c.84dupG(L29Afs*18, aka p.L29Afs*18) is based on the following criteria: The variant causes a premature termination codon that is expected to be targeted by nonsense-mediated mRNA decay and is reported in individuals with the relevant phenotype. Please note: this variant was assessed in the context of healthy population screening.â€šÃ„Ã¶âˆšÃ‘âˆšÂ£

Women's Health and Genetics/Laboratory Corporation of America, LabCorp
Classification: Pathogenic for Gaucher disease. Last evaluated: 2017-06-05. Review status: criteria provided, single submitter. Criteria: LabCorp Variant Classification Summary - May 2015. Collection method: clinical testing. Allele origin: germline.
Comment: Variant summary: The GBA c.84dupG (p.Leu29Alafs) variant results in a premature termination codon, predicted to cause a truncated or absent GBA protein due to nonsense mediated decay, which are commonly known mechanisms for disease. Truncations downstream of this position have been classified as pathogenic by our laboratory and other labs/reputable databases in ClinVar (e.g. c.487delG, c.1029delT, c.1265_1319del55, etc.). This variant was found in 6/121380 control chromosomes from ExAC at a frequency of 0.0000494, which does not exceed the estimated maximal expected allele frequency of a pathogenic GBA variant (0.005). This variant is reported as one of the common pathogenic variants in literature found especially in Ashkenazi Jews population (Beutler_1991, Koprivica_2000, Brautbar_2003, Giraldo_2011). Functional data are consistent with predicted outcome of this variant because no translation product could be detected in an in vitro translation system and little or no enzyme antigen attributed to this allele could be found in cell lines from patients (Beutler_1991). Three clinical labs (via ClinVar) and a reputable database have classified this variant as pathogenic. Taken together, this variant has been classified as a pathogenic.

Eurofins Ntd Llc (ga)
Classification: Pathogenic. Last evaluated: 2014-10-27. Review status: criteria provided, single submitter. Criteria: EGL Classification Definitions. Collection method: clinical testing. Allele origin: germline.

Baylor Genetics
Classification: Pathogenic for Gaucher disease type I; Gaucher disease type II; Gaucher disease type III; Gaucher disease-ophthalmoplegia-cardiovascular calcification syndrome. Review status: criteria provided, single submitter. Criteria: ACMG Guidelines, 2015. Collection method: clinical testing. Allele origin: germline.

OMIM
Classification: Pathogenic for GAUCHER DISEASE, TYPE I. Last evaluated: 1996-01-01. Review status: no assertion criteria provided. Collection method: literature only. Allele origin: germline. Not counted in ClinVar's aggregate classification.

GeneReviews
No classification provided. Condition: Gaucher disease. Review status: no classification provided. Collection method: literature only. Allele origin: germline. Not counted in ClinVar's aggregate classification.

Literature cited by the submitters: PubMed 34017912 (cited by Natera, Inc.); PubMed 9153297 (cited by Labcorp Genetics (formerly Invitae), Labcorp); PubMed 10079102 (cited by Labcorp Genetics (formerly Invitae), Labcorp); PubMed 10796875 (cited by Labcorp Genetics (formerly Invitae), Labcorp and Women's Health and Genetics/Laboratory Corporation of America, LabCorp); PubMed 11783951 (cited by Labcorp Genetics (formerly Invitae), Labcorp); PubMed 1961718 (cited by 4 submitters); PubMed 21742527 (cited by 3 submitters); PubMed 25653295 (cited by Labcorp Genetics (formerly Invitae), Labcorp and AiLife Diagnostics); PubMed 25933391 (cited by Labcorp Genetics (formerly Invitae), Labcorp); PubMed 26096741 (cited by Labcorp Genetics (formerly Invitae), Labcorp and AiLife Diagnostics); PubMed 27717005 (cited by Labcorp Genetics (formerly Invitae), Labcorp and AiLife Diagnostics); PubMed 21228398 (cited by AiLife Diagnostics); PubMed 29471591 (cited by AiLife Diagnostics); PubMed 17875915 (cited by AiLife Diagnostics); PubMed 22975760 (cited by AiLife Diagnostics); PubMed 25946768 (cited by AiLife Diagnostics); PubMed 21700325 (cited by AiLife Diagnostics); PubMed 29842932 (cited by AiLife Diagnostics); PubMed 10777718 (cited by Broad Center for Mendelian Genomics, Broad Institute of MIT and Harvard); PubMed 19513999 (cited by Broad Center for Mendelian Genomics, Broad Institute of MIT and Harvard); PubMed 8487270 (cited by Myriad Genetics, Inc.); PubMed 1348297 (cited by Myriad Genetics, Inc.); PubMed 8432537 (cited by Myriad Genetics, Inc.); PubMed 23757202 (cited by Eurofins Ntd Llc (ga)); PubMed 8889578 (cited by OMIM); PubMed 8516282 (cited by OMIM); PubMed 7789963 (cited by OMIM).